The following is an entry in ClinVar:

NM_000256.3(MYBPC3):c.1972A>G (p.Thr658Ala)

Gene: MYBPC3 (myosin binding protein C3; minus strand). Cytogenetic location: 11p11.2.
Variant type: single nucleotide variant.
Coding change: c.1972A>G on transcript NM_000256.3 (MANE Select); coding-DNA position 1972, A replaced by G.
Protein change: p.Thr658Ala; replaces threonine 658 with alanine.
Molecular consequence: missense variant.
Genome position (GRCh38, 1-based): chr11:47,339,746, T>C on the plus strand (A>G on the coding strand, the complement: MYBPC3 is on the minus strand). VCF-style: chr11-47339746-T-C. GRCh37 (hg19) VCF-style: chr11-47361297-T-C.
Other names: short protein forms T658A.
Identifiers: ClinVar variation 2773725 (VCV002773725.5), dbSNP rs950381214, ClinGen allele CA380321838.

ClinVar aggregate classification (germline): Uncertain significance. Review status: criteria provided, multiple submitters, no conflicts (2 of 4 stars). 3 submissions from 3 submitters: Uncertain significance (3). Last evaluated 2024-08-22.

Conditions:
Cardiomyopathy (CMYO). Also called: Cardiomyopathies. Identifiers: Orphanet 167848, MedGen C0878544, MONDO:0004994, HP:0001638. Inheritance: Various modes of inheritance.
Hypertrophic cardiomyopathy. Also called: HYPERTROPHIC MYOCARDIOPATHY. Identifiers: Orphanet 217569, MedGen C0007194, MeSH D002312, MONDO:0005045, HP:0001639.

gnomAD v4.1: 3 of 1,613,788 alleles (0.00019%); highest among the groups gnomAD compares: Non-Finnish European, 0.00025%; no homozygotes.

Submissions (3):

Labcorp Genetics (formerly Invitae), Labcorp
Classification: Uncertain significance for Hypertrophic cardiomyopathy. Last evaluated: 2024-08-22. Review status: criteria provided, single submitter. Criteria: Invitae Variant Classification Sherloc (09022015). Collection method: clinical testing. Allele origin: germline.
Comment: This sequence change replaces threonine, which is neutral and polar, with alanine, which is neutral and non-polar, at codon 658 of the MYBPC3 protein (p.Thr658Ala). This variant is not present in population databases (gnomAD no frequency). This variant has not been reported in the literature in individuals affected with MYBPC3-related conditions. An algorithm developed to predict the effect of missense changes on protein structure and function (PolyPhen-2) suggests that this variant is likely to be disruptive. In summary, the available evidence is currently insufficient to determine the role of this variant in disease. Therefore, it has been classified as a Variant of Uncertain Significance.

Color Diagnostics, LLC DBA Color Health
Classification: Uncertain significance for Cardiomyopathy. Last evaluated: 2024-03-06. Review status: criteria provided, single submitter. Criteria: ACMG Guidelines, 2015. Collection method: clinical testing. Allele origin: germline.
Comment: This missense variant replaces threonine with alanine at codon 658 of the MYBPC3 protein. Computational prediction suggests that this variant may not impact protein structure and function (internally defined REVEL score threshold <= 0.5, PMID: 27666373). To our knowledge, functional studies have not been reported for this variant. This variant has not been reported in individuals affected with cardiovascular disorders in the literature. This variant has not been identified in the general population by the Genome Aggregation Database (gnomAD). The available evidence is insufficient to determine the role of this variant in disease conclusively. Therefore, this variant is classified as a Variant of Uncertain Significance.

All of Us Research Program, National Institutes of Health
Classification: Uncertain significance for Hypertrophic cardiomyopathy. Last evaluated: 2024-03-05. Review status: criteria provided, single submitter. Criteria: ACMG Guidelines, 2015. Collection method: clinical testing. Allele origin: germline. Inheritance: Autosomal dominant inheritance. Observed: 1 variant allele, 1 heterozygote.
Comment: This missense variant replaces threonine with alanine at codon 658 of the MYBPC3 protein. Computational prediction suggests that this variant may not impact protein structure and function (internally defined REVEL score threshold <= 0.5, PMID: 27666373). To our knowledge, functional studies have not been reported for this variant. This variant has not been reported in individuals affected with cardiovascular disorders in the literature. This variant has not been identified in the general population by the Genome Aggregation Database (gnomAD). The available evidence is insufficient to determine the role of this variant in disease conclusively. Therefore, this variant is classified as a Variant of Uncertain Significance.

This study involves interpretation of variants in research participants for the purpose of population health screening. Participant phenotype was not available at the time of variant classification. Additional details can be found in publication PMID: 35346344, PMCID: PMC8962531